The following is an entry in ClinVar:

ClinVar aggregate classification (germline): Uncertain significance. Review status: criteria provided, multiple submitters, no conflicts (2 of 4 stars). 3 submissions from 3 submitters: Uncertain significance (3). Last evaluated 2022-11-01.

Conditions:
Inborn genetic diseases. Identifiers: MedGen C0950123, MeSH D030342.

Allele frequency attached by ClinVar (database versions not stated): TOPMed below 0.00001.
gnomAD v4.1: 9 of 1,613,278 alleles (0.00056%); highest among the groups gnomAD compares: Non-Finnish European, 0.00068%; no homozygotes.

Submissions (3):

Ambry Genetics
Classification: Uncertain significance for Inborn genetic diseases. Last evaluated: 2022-11-01. Review status: criteria provided, single submitter. Criteria: Ambry Variant Classification Scheme 2023. Collection method: clinical testing. Allele origin: germline.

Labcorp Genetics (formerly Invitae), Labcorp
Classification: Uncertain significance. Last evaluated: 2021-08-09. Review status: criteria provided, single submitter. Criteria: Invitae Variant Classification Sherloc (09022015). Collection method: clinical testing. Allele origin: germline.
Comment: This sequence change replaces leucine with phenylalanine at codon 337 of the GHRHR protein (p.Leu337Phe). The leucine residue is highly conserved and there is a small physicochemical difference between leucine and phenylalanine. This variant is not present in population databases (ExAC no frequency). This variant has not been reported in the literature in individuals affected with GHRHR-related conditions. Algorithms developed to predict the effect of missense changes on protein structure and function are either unavailable or do not agree on the potential impact of this missense change (SIFT: "Deleterious"; PolyPhen-2: "Probably Damaging"; Align-GVGD: "Class C0"). In summary, the available evidence is currently insufficient to determine the role of this variant in disease. Therefore, it has been classified as a Variant of Uncertain Significance.

Blueprint Genetics
Classification: Uncertain significance. Last evaluated: 2021-05-28. Review status: criteria provided, single submitter. Criteria: ACMG Guidelines, 2015. Collection method: clinical testing. Allele origin: germline.

NM_000823.4(GHRHR):c.1009C>T (p.Leu337Phe)

Gene: GHRHR (growth hormone releasing hormone receptor; plus strand). Cytogenetic location: 7p14.3.
Variant type: single nucleotide variant.
Coding change: c.1009C>T on transcript NM_000823.4 (MANE Select); coding-DNA position 1009, C replaced by T.
Protein change: p.Leu337Phe; replaces leucine 337 with phenylalanine.
Molecular consequence: missense variant.
Genome position (GRCh38, 1-based): chr7:30,976,463, C>T. VCF-style: chr7-30976463-C-T. GRCh37 (hg19) VCF-style: chr7-31016078-C-T.
Other names: c.1009C>T (NM_000823.3); short protein forms L337F.
Identifiers: ClinVar variation 1511475 (VCV001511475.5), dbSNP rs202089170, ClinGen allele CA156118117.